The following is an entry in ClinVar:

ClinVar aggregate classification (germline): Uncertain significance. Review status: criteria provided, multiple submitters, no conflicts (2 of 4 stars). 3 submissions from 3 submitters: Uncertain significance (3). Last evaluated 2025-12-11.

Conditions:
Inborn genetic diseases. Identifiers: MedGen C0950123, MeSH D030342.

Allele frequency attached by ClinVar (database versions not stated): gnomAD exomes 0.00002; ExAC 0.00003; ESP Exome Variant Server 0.00008.
gnomAD v4.1: 34 of 1,613,416 alleles (0.0021%); highest among the groups gnomAD compares: Non-Finnish European, 0.0028%; no homozygotes.

Submissions (3):

Ambry Genetics
Classification: Uncertain significance for Inborn genetic diseases. Last evaluated: 2025-12-11. Review status: criteria provided, single submitter. Criteria: Ambry Variant Classification Scheme 2023. Collection method: clinical testing. Allele origin: germline.

Blueprint Genetics
Classification: Uncertain significance. Last evaluated: 2024-04-11. Review status: criteria provided, single submitter. Criteria: ACMG Guidelines, 2015. Collection method: clinical testing. Allele origin: germline.

Labcorp Genetics (formerly Invitae), Labcorp
Classification: Uncertain significance. Last evaluated: 2022-10-21. Review status: criteria provided, single submitter. Criteria: Invitae Variant Classification Sherloc (09022015). Collection method: clinical testing. Allele origin: germline.
Comment: This sequence change replaces isoleucine, which is neutral and non-polar, with phenylalanine, which is neutral and non-polar, at codon 400 of the CDH23 protein (p.Ile400Phe). This variant is present in population databases (rs370014467, gnomAD 0.005%). This variant has not been reported in the literature in individuals affected with CDH23-related conditions. ClinVar contains an entry for this variant (Variation ID: 1414766). Advanced modeling of protein sequence and biophysical properties (such as structural, functional, and spatial information, amino acid conservation, physicochemical variation, residue mobility, and thermodynamic stability) has been performed at Invitae for this missense variant, however the output from this modeling did not meet the statistical confidence thresholds required to predict the impact of this variant on CDH23 protein function. In summary, the available evidence is currently insufficient to determine the role of this variant in disease. Therefore, it has been classified as a Variant of Uncertain Significance.

NM_022124.6(CDH23):c.1198A>T (p.Ile400Phe)

Gene: CDH23 (cadherin related 23; plus strand). Cytogenetic location: 10q22.1.
Variant type: single nucleotide variant.
Coding change: c.1198A>T on transcript NM_022124.6 (MANE Select); coding-DNA position 1198, A replaced by T.
Protein change: p.Ile400Phe; replaces isoleucine 400 with phenylalanine.
Molecular consequence: missense variant.
Genome position (GRCh38, 1-based): chr10:71,645,888, A>T. VCF-style: chr10-71645888-A-T. GRCh37 (hg19) VCF-style: chr10-73405645-A-T.
Other names: c.1198A>T (NM_022124.5); c.1198A>T, p.Ile400Phe (NM_001171930.2, NM_001171931.2, NM_052836.4); short protein forms I400F.
Identifiers: ClinVar variation 1414766 (VCV001414766.6), dbSNP rs370014467, ClinGen allele CA5543729.